The following is an entry in ClinVar:

ClinVar aggregate classification (germline): Uncertain significance (1 of 4 stars; one submission).

Conditions:
Hereditary pancreatitis (PCTT). Also called: Hereditary chronic pancreatitis; PRSS1-Related Hereditary Pancreatitis. Identifiers: Orphanet 676, MedGen C0238339, MONDO:0008185, OMIM 167800.

Submission:

Ambry Genetics
Classification: Uncertain significance for Hereditary pancreatitis. Last evaluated: 2026-03-20. Review status: criteria provided, single submitter. Criteria: Ambry Variant Classification Scheme 2023. Collection method: clinical testing. Allele origin: germline.
Comment: The p.D171N variant (also known as c.511G>A), located in coding exon 6 of the CTRC gene, results from a G to A substitution at nucleotide position 511. The aspartic acid at codon 171 is replaced by asparagine, an amino acid with highly similar properties. This amino acid position is well conserved in available vertebrate species. In addition, this alteration is predicted to be tolerated by in silico analysis. Based on the available evidence, the clinical significance of this variant remains unclear.

NM_007272.3(CTRC):c.511G>A (p.Asp171Asn)

Gene: CTRC (chymotrypsin C; plus strand). Cytogenetic location: 1p36.21.
Variant type: single nucleotide variant.
Coding change: c.511G>A on transcript NM_007272.3 (MANE Select); coding-DNA position 511, G replaced by A.
Protein change: p.Asp171Asn; replaces aspartic acid 171 with asparagine.
Molecular consequence: missense variant.
Genome position (GRCh38, 1-based): chr1:15,444,623, G>A. VCF-style: chr1-15444623-G-A. GRCh37 (hg19) VCF-style: chr1-15771118-G-A.
Other names: short protein forms D171N.
Identifiers: ClinVar variation 4869520 (VCV004869520.1).